The following is an entry in ClinVar:

ClinVar aggregate classification (germline): Uncertain significance (1 of 4 stars; one submission).

Conditions:
Progressive familial heart block type IB (PFHB1B). Identifiers: Orphanet 871, MedGen C1970298, MONDO:0011474, OMIM 604559.

Allele frequency attached by ClinVar (database versions not stated): gnomAD exomes below 0.00001; TOPMed below 0.00001.

Submission:

Labcorp Genetics (formerly Invitae), Labcorp
Classification: Uncertain significance for Progressive familial heart block type IB. Last evaluated: 2025-11-17. Review status: criteria provided, single submitter. Criteria: Invitae Variant Classification Sherloc (09022015). Collection method: clinical testing. Allele origin: germline.
Comment: This sequence change creates a premature translational stop signal (p.Val942Glyfs*17) in the TRPM4 gene. It is expected to result in an absent or disrupted protein product. However, the current clinical and genetic evidence is not sufficient to establish whether loss-of-function variants in TRPM4 cause disease. This variant is present in population databases (no rsID available, gnomAD 0.003%). This variant has not been reported in the literature in individuals affected with TRPM4-related conditions. ClinVar contains an entry for this variant (Variation ID: 1006828). In summary, the available evidence is currently insufficient to determine the role of this variant in disease. Therefore, it has been classified as a Variant of Uncertain Significance.

NM_017636.4(TRPM4):c.2822dup (p.Val942fs)

Gene: TRPM4 (transient receptor potential cation channel subfamily M member 4; plus strand). Cytogenetic location: 19q13.33.
Variant type: Duplication.
Coding change: c.2822dup on transcript NM_017636.4 (MANE Select); coding-DNA position 2822, one base duplicated (T; older notation c.2822dupT).
Protein change: p.Val942fs; shifts the reading frame from valine 942.
Molecular consequence: frameshift variant.
Genome position (GRCh38, 1-based): chr19:49,200,654, T duplicated. VCF-style (leftmost placement, unchanged base first): chr19-49200653-C-CT. GRCh37 (hg19) VCF-style: chr19-49703910-C-CT.
Other names: c.2387dup, p.Val797fs (NM_001195227.2); c.2477dup, p.Val827fs (NM_001321281.2); c.1214dup, p.Val406fs (NM_001321282.2); c.2300dup, p.Val768fs (NM_001321283.2); c.1760dup, p.Val588fs (NM_001321285.2); short protein forms V406fs, V588fs, V768fs, V797fs, V827fs, V942fs.
Identifiers: ClinVar variation 1006828 (VCV001006828.7), dbSNP rs1568489128, ClinGen allele CA633891005.